The following is an entry in ClinVar:

ClinVar aggregate classification (germline): Uncertain significance. Review status: criteria provided, multiple submitters, no conflicts (2 of 4 stars). 2 submissions from 2 submitters: Uncertain significance (2). Last evaluated 2025-10-30.

Conditions:
Inborn genetic diseases. Identifiers: MedGen C0950123, MeSH D030342.

Allele frequency attached by ClinVar (database versions not stated): gnomAD 0.00005; ESP Exome Variant Server 0.00017; ExAC 0.00003; TOPMed 0.00004.

Submissions (2):

Ambry Genetics
Classification: Uncertain significance for Inborn genetic diseases. Last evaluated: 2025-10-30. Review status: criteria provided, single submitter. Criteria: Ambry Variant Classification Scheme 2023. Collection method: clinical testing. Allele origin: germline.

GeneDx
Classification: Uncertain significance. Last evaluated: 2025-02-26. Review status: criteria provided, single submitter. Criteria: GeneDx Variant Classification Process June 2021. Collection method: clinical testing. Allele origin: germline. Affected: yes.
Comment: In silico analysis indicates that this missense variant does not alter protein structure/function; Has not been previously published as pathogenic or benign to our knowledge

NM_020812.4(DOCK6):c.653G>A (p.Arg218His)

Gene: DOCK6 (dedicator of cytokinesis 6; minus strand). Cytogenetic location: 19p13.2.
Variant type: single nucleotide variant.
Coding change: c.653G>A on transcript NM_020812.4 (MANE Select); coding-DNA position 653, G replaced by A.
Protein change: p.Arg218His; replaces arginine 218 with histidine.
Molecular consequence: missense variant.
Genome position (GRCh38, 1-based): chr19:11,250,941, C>T on the plus strand (G>A on the coding strand, the complement: DOCK6 is on the minus strand). VCF-style: chr19-11250941-C-T. GRCh37 (hg19) VCF-style: chr19-11361617-C-T.
Other names: c.653G>A, p.Arg218His (NM_001367830.1); c.653G>A (NM_020812.3); short protein forms R218H.
Identifiers: ClinVar variation 2329053 (VCV002329053.4), dbSNP rs369830156, ClinGen allele CA9208414.